The following is an entry in ClinVar:

ClinVar aggregate classification (germline): Uncertain significance (1 of 4 stars; one submission).

gnomAD v4.1: 2 of 1,614,130 alleles (0.00012%); highest among the groups gnomAD compares: Non-Finnish European, 0.00017%; no homozygotes.

Submission:

Ambry Genetics
Classification: Uncertain significance. Last evaluated: 2025-07-12. Review status: criteria provided, single submitter. Criteria: Ambry Variant Classification Scheme 2023. Collection method: clinical testing. Allele origin: germline.
Comment: The p.P844S variant (also known as c.2530C>T), located in coding exon 1 of the MLH3 gene, results from a C to T substitution at nucleotide position 2530. The proline at codon 844 is replaced by serine, an amino acid with similar properties. This amino acid position is conserved. In addition, this alteration is predicted to be tolerated by in silico analysis. Based on the available evidence, the clinical significance of this variant remains unclear.

NM_001040108.2(MLH3):c.2530C>T (p.Pro844Ser)

Gene: MLH3 (mutL homolog 3; minus strand). Cytogenetic location: 14q24.3.
Variant type: single nucleotide variant.
Coding change: c.2530C>T on transcript NM_001040108.2 (MANE Select); coding-DNA position 2530, C replaced by T.
Protein change: p.Pro844Ser; replaces proline 844 with serine.
Molecular consequence: missense variant.
Genome position (GRCh38, 1-based): chr14:75,047,126, G>A on the plus strand (C>T on the coding strand, the complement: MLH3 is on the minus strand). VCF-style: chr14-75047126-G-A. GRCh37 (hg19) VCF-style: chr14-75513829-G-A.
Other names: c.2530C>T, p.Pro844Ser (NM_014381.3); short protein forms P844S.
Identifiers: ClinVar variation 4108641 (VCV004108641.1).